The following is an entry in ClinVar:

NM_001379200.1(TBX1):c.1466C>T (p.Ser489Leu)

Gene: TBX1 (T-box transcription factor 1; plus strand). Cytogenetic location: 22q11.21.
Variant type: single nucleotide variant.
Coding change: c.1466C>T on transcript NM_001379200.1 (MANE Select); coding-DNA position 1466, C replaced by T.
Protein change: p.Ser489Leu; replaces serine 489 with leucine.
Molecular consequence: missense variant. On other transcripts: intron variant (2).
Genome position (GRCh38, 1-based): chr22:19,766,818, C>T. VCF-style: chr22-19766818-C-T. GRCh37 (hg19) VCF-style: chr22-19754341-C-T.
Other names: c.1439C>T, p.Ser480Leu (NM_080647.1); c.1009+816C>T (NM_005992.1, NM_080646.2); short protein forms S480L, S489L.
Identifiers: ClinVar variation 1387640 (VCV001387640.8), dbSNP rs2145839683, ClinGen allele CA410685657.

ClinVar aggregate classification (germline): Uncertain significance (1 of 4 stars; one submission).

Conditions:
DiGeorge syndrome. Also called: Catch22; THIRD AND FOURTH PHARYNGEAL POUCH SYNDROME. Identifiers: Orphanet 567, MedGen C0012236, MONDO:0008564, OMIM 188400.

gnomAD v4.1: 4 of 1,560,156 alleles (0.00026%); highest among the groups gnomAD compares: South Asian, 0.0023%; no homozygotes.

Submission:

Labcorp Genetics (formerly Invitae), Labcorp
Classification: Uncertain significance for DiGeorge syndrome. Last evaluated: 2021-06-18. Review status: criteria provided, single submitter. Criteria: Invitae Variant Classification Sherloc (09022015). Collection method: clinical testing. Allele origin: germline.
Comment: Algorithms developed to predict the effect of missense changes on protein structure and function are either unavailable or do not agree on the potential impact of this missense change (SIFT: "Deleterious"; PolyPhen-2: "Possibly Damaging"; Align-GVGD: "Class C0"). This variant has not been reported in the literature in individuals with TBX1-related conditions. This variant is not present in population databases (ExAC no frequency). This sequence change replaces serine with leucine at codon 480 of the TBX1 protein (p.Ser480Leu). The serine residue is moderately conserved and there is a large physicochemical difference between serine and leucine. In summary, the available evidence is currently insufficient to determine the role of this variant in disease. Therefore, it has been classified as a Variant of Uncertain Significance.